The following is an entry in ClinVar:

NM_001369268.1(ACAN):c.6897C>T (p.His2299=)

Gene: ACAN (aggrecan; plus strand). Cytogenetic location: 15q26.1.
Variant type: single nucleotide variant.
Coding change: c.6897C>T on transcript NM_001369268.1 (MANE Select); coding-DNA position 6897, C replaced by T.
Protein change: p.His2299=; no amino-acid change (histidine 2299 retained).
Molecular consequence: synonymous variant. On other transcripts: intron variant (1).
Genome position (GRCh38, 1-based): chr15:88,860,390, C>T. VCF-style: chr15-88860390-C-T. GRCh37 (hg19) VCF-style: chr15-89403621-C-T.
Other names: c.6897C>T, p.His2299= (NM_013227.4); c.6832+973C>T (NM_001135.4).
Identifiers: ClinVar variation 756154 (VCV000756154.12), dbSNP rs370259683, ClinGen allele CA7720518.

ClinVar aggregate classification (germline): Likely benign. Review status: criteria provided, single submitter (1 of 4 stars). 2 submissions from 2 submitters: Likely benign (1). 1 of the submissions does not count toward it. Last evaluated 2025-12-14.

Conditions:
ACAN-related disorder. Also called: ACAN-related condition; ACAN-related disorders.

Allele frequency attached by ClinVar (database versions not stated): gnomAD exomes 0.00003 and 0.00004; ExAC 0.00005; gnomAD 0.00005; ESP Exome Variant Server 0.00008; TOPMed 0.00008; 1000 Genomes Project 30x 0.00016; 1000 Genomes Project 0.00020.

Submissions (2):

Labcorp Genetics (formerly Invitae), Labcorp
Classification: Likely benign. Last evaluated: 2025-12-14. Review status: criteria provided, single submitter. Criteria: Invitae Variant Classification Sherloc (09022015). Collection method: clinical testing. Allele origin: germline.

PreventionGenetics, part of Exact Sciences
Classification: Likely benign for ACAN-related condition. Last evaluated: 2019-03-25. Review status: no assertion criteria provided. Collection method: clinical testing. Allele origin: germline. Not counted in ClinVar's aggregate classification.
Comment: This variant is classified as likely benign based on ACMG/AMP sequence variant interpretation guidelines (Richards et al. 2015 PMID: 25741868, with internal and published modifications).